The following is an entry in ClinVar:

NM_017934.7(PHIP):c.1319T>C (p.Ile440Thr)

Gene: PHIP (PHIP subunit of CUL4-Ring ligase complex; minus strand). Cytogenetic location: 6q14.1.
Variant type: single nucleotide variant.
Coding change: c.1319T>C on transcript NM_017934.7 (MANE Select); coding-DNA position 1319, T replaced by C.
Protein change: p.Ile440Thr; replaces isoleucine 440 with threonine.
Molecular consequence: missense variant.
Genome position (GRCh38, 1-based): chr6:79,015,700, A>G on the plus strand (T>C on the coding strand, the complement: PHIP is on the minus strand). VCF-style: chr6-79015700-A-G. GRCh37 (hg19) VCF-style: chr6-79725417-A-G.
Other names: short protein forms I440T.
Identifiers: ClinVar variation 1313333 (VCV001313333.2), dbSNP rs2127740878, ClinGen allele CA364634633.

ClinVar aggregate classification (germline): Uncertain significance (1 of 4 stars; one submission).

Allele frequency attached by ClinVar (database versions not stated): gnomAD exomes below 0.00001.
gnomAD v4.1: 2 of 1,606,964 alleles (0.00012%); highest among the groups gnomAD compares: Non-Finnish European, 0.000085%; no homozygotes.

Submission:

GeneDx
Classification: Uncertain significance. Last evaluated: 2020-10-19. Review status: criteria provided, single submitter. Criteria: GeneDx Variant Classification Process June 2021. Collection method: clinical testing. Allele origin: germline. Affected: yes.
Comment: In silico analysis supports that this missense variant has a deleterious effect on protein structure/function; Not observed in large population cohorts (Lek et al., 2016); Has not been previously published as pathogenic or benign to our knowledge